The following is an entry in ClinVar:

NM_007113.4(TCHH):c.2806C>T (p.Leu936=)

Gene: TCHH (trichohyalin; minus strand). Cytogenetic location: 1q21.3.
Variant type: single nucleotide variant.
Coding change: c.2806C>T on transcript NM_007113.4 (MANE Select); coding-DNA position 2806, C replaced by T.
Protein change: p.Leu936=; no amino-acid change (leucine 936 retained).
Molecular consequence: synonymous variant.
Genome position (GRCh38, 1-based): chr1:152,110,411, G>A on the plus strand (C>T on the coding strand, the complement: TCHH is on the minus strand). VCF-style: chr1-152110411-G-A. GRCh37 (hg19) VCF-style: chr1-152082887-G-A.
Identifiers: ClinVar variation 2639189 (VCV002639189.25), dbSNP rs201773860, ClinGen allele CA1098417.

ClinVar aggregate classification (germline): Likely benign. Review status: criteria provided, multiple submitters, no conflicts (2 of 4 stars). 2 submissions from 2 submitters: Likely benign (2). Last evaluated 2024-11-22.

Allele frequency attached by ClinVar (database versions not stated): gnomAD exomes 0.00034; ExAC 0.00036; TOPMed 0.00039; ESP Exome Variant Server 0.00040; gnomAD 0.00040.
gnomAD v4.1: 559 of 1,613,432 alleles (0.035%); highest among the groups gnomAD compares: Non-Finnish European, 0.036%; 2 homozygotes.

Submissions (2):

Blueprint Genetics
Classification: Likely benign. Last evaluated: 2024-11-22. Review status: criteria provided, single submitter. Criteria: ACMG Guidelines, 2015. Collection method: clinical testing. Allele origin: germline.

CeGaT Center for Human Genetics Tuebingen
Classification: Likely benign. Last evaluated: 2022-06-01. Review status: criteria provided, single submitter. Criteria: CeGaT Center For Human Genetics Tuebingen Variant Classification Criteria Version 2. Collection method: clinical testing. Allele origin: germline. Affected: yes. Observed: 1 variant allele.
Comment: TCHH: BP4, BP7